The following is an entry in ClinVar:

NM_000143.4(FH):c.1432_1433delinsG (p.Asn478fs)

Gene: FH (fumarate hydratase; minus strand). Cytogenetic location: 1q43.
Variant type: Indel.
Coding change: c.1432_1433delinsG on transcript NM_000143.4 (MANE Select); coding-DNA positions 1432 to 1433, AA replaced by G.
Protein change: p.Asn478fs; shifts the reading frame from asparagine 478.
Molecular consequence: frameshift variant.
Genome position (GRCh38, 1-based): chr1:241,497,928-241,497,929, TT replaced by C on the plus strand (AA replaced by G on the coding strand, the reverse complement: FH is on the minus strand). VCF-style: chr1-241497928-TT-C. GRCh37 (hg19) VCF-style: chr1-241661228-TT-C.
Other names: short protein forms N478fs.
Identifiers: ClinVar variation 3254363 (VCV003254363.1), dbSNP rs2527308519.

ClinVar aggregate classification (germline): Pathogenic (1 of 4 stars; one submission).

Conditions:
Hereditary leiomyomatosis and renal cell cancer. Also called: MULTIPLE CUTANEOUS AND UTERINE LEIOMYOMATA 1, WITH OR WITHOUT RENAL CELL CARCINOMA; LEIOMYOMA, MULTIPLE CUTANEOUS; Reed syndrome; Multiple cutaneous and uterine leiomyomatosis; Cutaneous leiomyomata with uterine leiomyomata; Leiomyoma, hereditary multiple, of skin. Identifiers: Orphanet 523, MedGen C1708350, MONDO:0007888, OMIM 150800, HP:0007437. Disease mechanism: loss of function.

Submission:

Myriad Genetics, Inc.
Classification: Pathogenic for Hereditary leiomyomatosis and renal cell cancer. Last evaluated: 2024-04-03. Review status: criteria provided, single submitter. Criteria: Myriad Autosomal Dominant, Autosomal Recessive and X-Linked Classification Criteria (2023). Collection method: clinical testing. Allele origin: unknown.
Comment: This variant is considered pathogenic. This variant creates a frameshift predicted to result in premature protein truncation.